The following is an entry in ClinVar:

ClinVar aggregate classification (germline): Pathogenic. Review status: criteria provided, multiple submitters, no conflicts (2 of 4 stars). 6 submissions from 4 submitters: Pathogenic (2). 4 of the submissions do not count toward it. Last evaluated 2024-12-09.

Conditions:
Charcot-Marie-Tooth disease axonal type 2X. Also called: CHARCOT-MARIE-TOOTH DISEASE, AXONAL, AUTOSOMAL RECESSIVE, TYPE 2X; CHARCOT-MARIE-TOOTH NEUROPATHY, TYPE 2X. Identifiers: Orphanet 466775, MedGen C5569024, MONDO:0014726, OMIM 616668.
Amyotrophic lateral sclerosis type 5 (ALS5). Also called: AMYOTROPHIC LATERAL SCLEROSIS 5, JUVENILE. Identifiers: Orphanet 300605, MedGen C1865864, MONDO:0011196, OMIM 602099.
Hereditary spastic paraplegia 11. Also called: SPASTIC PARAPLEGIA, AUTOSOMAL RECESSIVE, COMPLICATED, WITH THIN CORPUS CALLOSUM; SPASTIC PARAPLEGIA, AUTOSOMAL RECESSIVE, WITH MENTAL IMPAIRMENT AND THIN CORPUS CALLOSUM; Spastic Paraplegia 11; Nakamura Osame syndrome; Autosomal recessive hereditary spastic paraplegia, mental impairment, and thin corpus callosum; Spastic paraplegia, mental retardation and thin corpus callosum. Identifiers: Orphanet 2822, MedGen C1858479, MONDO:0011445, OMIM 604360.

Allele frequency attached by ClinVar (database versions not stated): gnomAD exomes below 0.00001.
gnomAD v4.1: 1 of 1,598,582 alleles (0.000063%); highest among the groups gnomAD compares: South Asian, 0.0011%; no homozygotes.

Submissions (6):

Labcorp Genetics (formerly Invitae), Labcorp
Classification: Pathogenic for Hereditary spastic paraplegia 11. Last evaluated: 2024-12-09. Review status: criteria provided, single submitter. Criteria: Invitae Variant Classification Sherloc (09022015). Collection method: clinical testing. Allele origin: germline.
Comment: This sequence change creates a premature translational stop signal (p.Gln40*) in the SPG11 gene. It is expected to result in an absent or disrupted protein product. Loss-of-function variants in SPG11 are known to be pathogenic (PMID: 19105190, 20110243, 22154821, 26556829). This variant is present in population databases (rs267607084, gnomAD 0.004%). This premature translational stop signal has been observed in individuals with hereditary spastic paraplegia and/or juvenile amyotrophic lateral sclerosis (PMID: 17322883, 20110243). It has also been observed to segregate with disease in related individuals. ClinVar contains an entry for this variant (Variation ID: 1111). For these reasons, this variant has been classified as Pathogenic.

GeneDx
Classification: Pathogenic. Last evaluated: 2024-12-03. Review status: criteria provided, single submitter. Criteria: GeneDx Variant Classification Process June 2021. Collection method: clinical testing. Allele origin: germline. Affected: yes.
Comment: Published functional studies demonstrate a damaging effect and suggest that this variant results in impaired cholesterol distribution in lysosomes and the cell membrane and increases axonal swelling (PMID: 37709208); Nonsense variant predicted to result in protein truncation or nonsense mediated decay in a gene for which loss of function is a known mechanism of disease; Not observed at significant frequency in large population cohorts (gnomAD); This variant is associated with the following publications: (PMID: 19105190, 20301389, 22154821, 26556829, 20110243, 22696581, 18079167, 29946510, 35026838, 37709208, 17322883)

OMIM
Classification: Pathogenic for SPASTIC PARAPLEGIA 11, AUTOSOMAL RECESSIVE. Last evaluated: 2015-11-10. Review status: no assertion criteria provided. Collection method: literature only. Allele origin: germline. Not counted in ClinVar's aggregate classification.

OMIM
Classification: Pathogenic for AMYOTROPHIC LATERAL SCLEROSIS 5, JUVENILE. Last evaluated: 2015-11-10. Review status: no assertion criteria provided. Collection method: literature only. Allele origin: germline. Not counted in ClinVar's aggregate classification.

OMIM
Classification: Pathogenic for CHARCOT-MARIE-TOOTH DISEASE, AXONAL, TYPE 2X. Last evaluated: 2015-11-10. Review status: no assertion criteria provided. Collection method: literature only. Allele origin: germline. Not counted in ClinVar's aggregate classification.

GeneReviews
No classification provided. Condition: Hereditary spastic paraplegia 11. Review status: no classification provided. Collection method: literature only. Allele origin: unknown. Not counted in ClinVar's aggregate classification.

Literature cited by the submitters: PubMed 19105190 (cited by Labcorp Genetics (formerly Invitae), Labcorp); PubMed 20110243 (cited by Labcorp Genetics (formerly Invitae), Labcorp and OMIM); PubMed 22154821 (cited by Labcorp Genetics (formerly Invitae), Labcorp); PubMed 26556829 (cited by Labcorp Genetics (formerly Invitae), Labcorp and OMIM); PubMed 17322883 (cited by 3 submitters); PubMed 18079167 (cited by GeneReviews); PubMed 20301389 (cited by GeneReviews); NCBI Bookshelf NBK1210 (cited by GeneReviews).

NM_025137.4(SPG11):c.118C>T (p.Gln40Ter)

Gene: SPG11 (SPG11 vesicle trafficking associated, spatacsin; minus strand). Cytogenetic location: 15q21.1.
Variant type: single nucleotide variant.
Coding change: c.118C>T on transcript NM_025137.4 (MANE Select); coding-DNA position 118, C replaced by T.
Protein change: p.Gln40Ter; replaces glutamine 40 with a stop codon.
Molecular consequence: nonsense.
Genome position (GRCh38, 1-based): chr15:44,663,530, G>A on the plus strand (C>T on the coding strand, the complement: SPG11 is on the minus strand). VCF-style: chr15-44663530-G-A. GRCh37 (hg19) VCF-style: chr15-44955728-G-A.
Other names: c.118C>T, p.Gln40Ter (NM_001160227.2); short protein forms Q40*.
Identifiers: ClinVar variation 1111 (VCV000001111.11), dbSNP rs267607084, ClinGen allele CA249693.
Genomic context (GRCh38, chr15:44,663,530, plus strand): 5'-CAGCCGTCAGGCTCCCCAGAGCCTCCGGCTGTGTGCGCAGCTGCGCCCGGGAGCCGAGCT[G>A]CCCCATCGCCTCGGCGGGGACTGGCACCAACAGCATCGGTAGAACCCGCCCCATGGCCGC-3'